The following is an entry in ClinVar:

NM_000465.4(BARD1):c.971_973delinsCTG (p.His324_His325delinsProAsp)

Gene: BARD1 (BRCA1 associated RING domain 1; minus strand). Cytogenetic location: 2q35.
Variant type: Indel.
Coding change: c.971_973delinsCTG on transcript NM_000465.4 (MANE Select); coding-DNA positions 971 to 973, ATC replaced by CTG.
Protein change: p.His324_His325delinsProAsp.
Molecular consequence: missense variant. On other transcripts: non-coding transcript variant (2), intron variant (3).
Genome position (GRCh38, 1-based): chr2:214,780,901-214,780,903, GAT replaced by CAG on the plus strand (ATC replaced by CTG on the coding strand, the reverse complement: BARD1 is on the minus strand). VCF-style: chr2-214780901-GAT-CAG. GRCh37 (hg19) VCF-style: chr2-215645625-GAT-CAG.
Other names: c.914_916delinsCTG, p.His305_His306delinsProAsp (NM_001282543.2); c.159-28348_159-28346delinsCTG (NM_001282548.2); c.215+16158_215+16160delinsCTG (NM_001282545.2); c.364+11394_364+11396delinsCTG (NM_001282549.2).
Identifiers: ClinVar variation 3988458 (VCV003988458.1).

ClinVar aggregate classification (germline): Uncertain significance (1 of 4 stars; one submission).

Conditions:
Hereditary cancer-predisposing syndrome. Also called: Tumor predisposition; Hereditary neoplastic syndrome; Neoplastic Syndromes, Hereditary; Hereditary Cancer Syndrome. Identifiers: Orphanet 140162, MedGen C0027672, MeSH D009386, MONDO:0015356.

Submission:

Ambry Genetics
Classification: Uncertain significance for Hereditary cancer-predisposing syndrome. Last evaluated: 2025-05-16. Review status: criteria provided, single submitter. Criteria: Ambry Variant Classification Scheme 2023. Collection method: clinical testing. Allele origin: germline.
Comment: The c.971_973delATCinsCTG variant (also known as p.H324_H325delinsPD), located in coding exon 4 of the BARD1 gene, results from an in-frame deletion of ATC and insertion of CTG at nucleotide positions 971 to 973. This results in the deletion of 2 amino acids (HH) and the insertion of 2 new amino acids (PD) at codons 324 and 325. These amino acid positions are poorly conserved in available vertebrate species. In addition, this variant is predicted to be neutral by in silico analysis (Choi Y et al. PLoS ONE. 2012; 7(10):e46688). Based on the available evidence, the clinical significance of this variant remains unclear.